The following is an entry in ClinVar:

NM_004999.4(MYO6):c.1985G>A (p.Gly662Glu)

Gene: MYO6 (myosin VI; plus strand). Cytogenetic location: 6q14.1.
Variant type: single nucleotide variant.
Coding change: c.1985G>A on transcript NM_004999.4 (MANE Select); coding-DNA position 1985, G replaced by A.
Protein change: p.Gly662Glu; replaces glycine 662 with glutamic acid.
Molecular consequence: missense variant. On other transcripts: non-coding transcript variant (1).
Genome position (GRCh38, 1-based): chr6:75,873,208, G>A. VCF-style: chr6-75873208-G-A. GRCh37 (hg19) VCF-style: chr6-76582925-G-A.
Other names: c.1985G>A, p.Gly662Glu (NM_001300899.2, NM_001368136.1, NM_001368137.1 and 2 more transcripts); c.1970G>A, p.Gly657Glu (NM_001368138.1); short protein forms G657E, G662E.
Identifiers: ClinVar variation 4797208 (VCV004797208.1).

ClinVar aggregate classification (germline): Uncertain significance (1 of 4 stars; one submission).

gnomAD v4.1: 94 of 1,613,370 alleles (0.0058%); highest among the groups gnomAD compares: Non-Finnish European, 0.0076%; no homozygotes.

Submission:

Labcorp Genetics (formerly Invitae), Labcorp
Classification: Uncertain significance. Last evaluated: 2025-12-19. Review status: criteria provided, single submitter. Criteria: Invitae Variant Classification Sherloc (09022015). Collection method: clinical testing. Allele origin: germline.
Comment: This sequence change replaces glycine, which is neutral and non-polar, with glutamic acid, which is acidic and polar, at codon 662 of the MYO6 protein (p.Gly662Glu). The frequency data for this variant in the population databases is considered unreliable, as metrics indicate poor data quality at this position in the gnomAD database. This variant has not been reported in the literature in individuals affected with MYO6-related conditions. Experimental studies and prediction algorithms are not available or were not evaluated, and the functional significance of this variant is currently unknown. In summary, the available evidence is currently insufficient to determine the role of this variant in disease. Therefore, it has been classified as a Variant of Uncertain Significance.